The following is an entry in ClinVar:

ClinVar aggregate classification (germline): Uncertain significance. Review status: criteria provided, multiple submitters, no conflicts (2 of 4 stars). 3 submissions from 3 submitters: Uncertain significance (2). 1 of the submissions does not count toward it. Last evaluated 2026-03-24.

Conditions:
Cystic fibrosis (CF). Also called: MUCOVISCIDOSIS. Identifiers: Orphanet 586, MedGen C0010674, MONDO:0009061, OMIM 219700. Disease mechanism: loss of function.

Submissions (3):

Ambry Genetics
Classification: Uncertain significance for Cystic fibrosis. Last evaluated: 2026-03-24. Review status: criteria provided, single submitter. Criteria: Ambry Variant Classification Scheme 2023. Collection method: clinical testing. Allele origin: germline.
Comment: The p.I482M variant (also known as c.1446T>G), located in coding exon 11 of the CFTR gene, results from a T to G substitution at nucleotide position 1446. The isoleucine at codon 482 is replaced by methionine, an amino acid with highly similar properties. This amino acid position is conserved. In addition, this alteration is predicted to be deleterious by in silico analysis. Based on the available evidence, the clinical significance of this variant remains unclear.

Labcorp Genetics (formerly Invitae), Labcorp
Classification: Uncertain significance for Cystic fibrosis. Last evaluated: 2025-12-11. Review status: criteria provided, single submitter. Criteria: Invitae Variant Classification Sherloc (09022015). Collection method: clinical testing. Allele origin: germline.
Comment: This sequence change replaces isoleucine, which is neutral and non-polar, with methionine, which is neutral and non-polar, at codon 482 of the CFTR protein (p.Ile482Met). This variant is not present in population databases (gnomAD no frequency). This variant has not been reported in the literature in individuals affected with CFTR-related conditions. ClinVar contains an entry for this variant (Variation ID: 4073470). Invitae Evidence Modeling of protein sequence and biophysical properties (such as structural, functional, and spatial information, amino acid conservation, physicochemical variation, residue mobility, and thermodynamic stability) indicates that this missense variant is expected to disrupt CFTR protein function with a positive predictive value of 80%. In summary, the available evidence is currently insufficient to determine the role of this variant in disease. Therefore, it has been classified as a Variant of Uncertain Significance.

Dr Mariam's Lab, University of the Punjab
Classification: Likely pathogenic for Cystic fibrosis. Review status: no assertion criteria provided. Collection method: research. Allele origin: germline. Affected: yes. Not counted in ClinVar's aggregate classification.

NM_000492.4(CFTR):c.1446T>G (p.Ile482Met)

Genes: CFTR (CF transmembrane conductance regulator; plus strand), CFTR-AS1 (CFTR antisense RNA 1; minus strand). Cytogenetic location: 7q31.2.
Variant type: single nucleotide variant.
Coding change: c.1446T>G on transcript NM_000492.4 (MANE Select); coding-DNA position 1446, T replaced by G.
Protein change: p.Ile482Met; replaces isoleucine 482 with methionine.
Molecular consequence: missense variant.
Genome position (GRCh38, 1-based): chr7:117,559,517, T>G. VCF-style: chr7-117559517-T-G. GRCh37 (hg19) VCF-style: chr7-117199571-T-G.
Other names: short protein forms I482M.
Identifiers: ClinVar variation 4073470 (VCV004073470.3).